The following is an entry in ClinVar:

NM_000091.5(COL4A3):c.4463-18dup

Genes: COL4A3 (collagen type IV alpha 3 chain; plus strand), MFF-DT (MFF divergent transcript; minus strand). Cytogenetic location: 2q36.3.
Variant type: Duplication.
Coding change: c.4463-18dup on transcript NM_000091.5 (MANE Select); 18 bases into the intron before coding-DNA position 4463, one base duplicated (A; older notation c.4463-18dupA).
Molecular consequence: intron variant.
Genome position (GRCh38, 1-based): chr2:227,308,881, A duplicated. VCF-style (leftmost placement, unchanged base first): chr2-227308880-C-CA. GRCh37 (hg19) VCF-style: chr2-228173596-C-CA.
Other names: c.4463-18dupA (NM_000091.4).
Identifiers: ClinVar variation 2145443 (VCV002145443.3), dbSNP rs769590145, ClinGen allele CA2147553.
Genomic context (GRCh38, chr2:227,308,880, plus strand): 5'-AAATTAGCTTCTCTCTAGTAACGATGCTGAAAATAACTTTAACTTACTGAAAGTGATACT[C>CA]AGTCTGATGTTTCATTAGGAACTCTTGGCAGCTGCCTGCAGCGATTTACCACAATGCCAT-3'

ClinVar aggregate classification (germline): Conflicting classifications of pathogenicity. Review status: criteria provided, conflicting classifications (1 of 4 stars). 3 submissions from 3 submitters: Uncertain significance (1); Likely benign (1). 1 of the submissions does not count toward it. Last evaluated 2022-07-05.

Conditions:
COL4A3-related disorder. Also called: COL4A3-related condition; COL4A3-Related Disorders.

Allele frequency attached by ClinVar (database versions not stated): gnomAD exomes below 0.00001; gnomAD 0.00001; TOPMed 0.00001; ExAC 0.00002.

Submissions (3):

Labcorp Genetics (formerly Invitae), Labcorp
Classification: Uncertain significance. Last evaluated: 2022-07-05. Review status: criteria provided, single submitter. Criteria: Invitae Variant Classification Sherloc (09022015). Collection method: clinical testing. Allele origin: germline.
Comment: This sequence change falls in intron 48 of the COL4A3 gene. It does not directly change the encoded amino acid sequence of the COL4A3 protein. This variant is present in population databases (rs769590145, gnomAD 0.03%). This variant has been observed in individual(s) with Alport syndrome (PMID: 22887978). Algorithms developed to predict the effect of sequence changes on RNA splicing suggest that this variant is not likely to affect RNA splicing. In summary, the available evidence is currently insufficient to determine the role of this variant in disease. Therefore, it has been classified as a Variant of Uncertain Significance.

Blueprint Genetics
Classification: Likely benign. Last evaluated: 2021-01-21. Review status: criteria provided, single submitter. Criteria: ACMG Guidelines, 2015. Collection method: clinical testing. Allele origin: germline.

PreventionGenetics, part of Exact Sciences
Classification: Likely benign for COL4A3-related condition. Last evaluated: 2024-09-17. Review status: no assertion criteria provided. Collection method: clinical testing. Allele origin: germline. Not counted in ClinVar's aggregate classification.
Comment: This variant is classified as likely benign based on ACMG/AMP sequence variant interpretation guidelines (Richards et al. 2015 PMID: 25741868, with internal and published modifications).

Literature cited by the submitters: PubMed 22887978 (cited by Labcorp Genetics (formerly Invitae), Labcorp).